The following is an entry in ClinVar:

ClinVar aggregate classification (germline): Uncertain significance (1 of 4 stars; one submission).

Conditions:
Hereditary cancer-predisposing syndrome. Also called: Neoplastic Syndromes, Hereditary; Tumor predisposition; Hereditary Cancer Syndrome; Hereditary neoplastic syndrome. Identifiers: Orphanet 140162, MedGen C0027672, MeSH D009386, MONDO:0015356.

Submission:

Ambry Genetics
Classification: Uncertain significance for Hereditary cancer-predisposing syndrome. Last evaluated: 2020-01-14. Review status: criteria provided, single submitter. Criteria: Ambry Variant Classification Scheme 2023. Collection method: clinical testing. Allele origin: germline.
Comment: The p.S22T variant (also known as c.64T>A), located in coding exon 1 of the BARD1 gene, results from a T to A substitution at nucleotide position 64. The serine at codon 22 is replaced by threonine, an amino acid with similar properties. This amino acid position is poorly conserved in available vertebrate species. In addition, this alteration is predicted to be tolerated by in silico analysis. Since supporting evidence is limited at this time, the clinical significance of this alteration remains unclear.

NM_000465.4(BARD1):c.64T>A (p.Ser22Thr)

Gene: BARD1 (BRCA1 associated RING domain 1; minus strand). Cytogenetic location: 2q35.
Variant type: single nucleotide variant.
Coding change: c.64T>A on transcript NM_000465.4 (MANE Select); coding-DNA position 64, T replaced by A.
Protein change: p.Ser22Thr; replaces serine 22 with threonine.
Molecular consequence: missense variant. On other transcripts: non-coding transcript variant (3).
Genome position (GRCh38, 1-based): chr2:214,809,506, A>T on the plus strand (T>A on the coding strand, the complement: BARD1 is on the minus strand). VCF-style: chr2-214809506-A-T. GRCh37 (hg19) VCF-style: chr2-215674230-A-T.
Other names: c.64T>A, p.Ser22Thr (NM_001282543.2, NM_001282545.2, NM_001282548.2 and 1 more transcripts); short protein forms S22T.
Identifiers: ClinVar variation 1753908 (VCV001753908.2), dbSNP rs2469639347, ClinGen allele CA350465202.